The following is an entry in ClinVar:

ClinVar aggregate classification (germline): Uncertain significance (1 of 4 stars; one submission).

Submission:

GeneDx
Classification: Uncertain significance. Last evaluated: 2021-09-08. Review status: criteria provided, single submitter. Criteria: GeneDx Variant Classification Process June 2021. Collection method: clinical testing. Allele origin: germline. Affected: yes.
Comment: Not observed at significant frequency in large population cohorts (Lek et al., 2016); In silico analysis supports that this missense variant has a deleterious effect on protein structure/function; Has not been previously published as pathogenic or benign to our knowledge

NM_000875.5(IGF1R):c.3766A>T (p.Arg1256Trp)

Gene: IGF1R (insulin like growth factor 1 receptor; plus strand). Cytogenetic location: 15q26.3.
Variant type: single nucleotide variant.
Coding change: c.3766A>T on transcript NM_000875.5 (MANE Select); coding-DNA position 3766, A replaced by T.
Protein change: p.Arg1256Trp; replaces arginine 1256 with tryptophan.
Molecular consequence: missense variant.
Genome position (GRCh38, 1-based): chr15:98,957,104, A>T. VCF-style: chr15-98957104-A-T. GRCh37 (hg19) VCF-style: chr15-99500333-A-T.
Other names: c.3763A>T, p.Arg1255Trp (NM_001291858.2); short protein forms R1255W, R1256W.
Identifiers: ClinVar variation 1301189 (VCV001301189.2), dbSNP rs2151737858, ClinGen allele CA393667946.